The following is an entry in ClinVar:

ClinVar aggregate classification (germline): Uncertain significance (1 of 4 stars; one submission).

Conditions:
NIPBL-related disorder. Also called: NIPBL-related condition.

Submission:

PreventionGenetics, part of Exact Sciences
Classification: Uncertain significance for NIPBL-related condition. Last evaluated: 2025-09-07. Review status: criteria provided, single submitter. Criteria: ACMG Guidelines, 2015. Collection method: clinical testing. Allele origin: germline.
Comment: The NIPBL c.871T>C variant is predicted to result in the amino acid substitution p.Ser291Pro. To our knowledge, this variant has not been reported in the literature or in a large population database (gnomAD), indicating this variant is rare. At this time, the clinical significance of this variant is uncertain due to the absence of conclusive functional and genetic evidence.

NM_133433.4(NIPBL):c.871T>C (p.Ser291Pro)

Gene: NIPBL (NIPBL cohesin loading factor; plus strand). Cytogenetic location: 5p13.2.
Variant type: single nucleotide variant.
Coding change: c.871T>C on transcript NM_133433.4 (MANE Select); coding-DNA position 871, T replaced by C.
Protein change: p.Ser291Pro; replaces serine 291 with proline.
Molecular consequence: missense variant.
Genome position (GRCh38, 1-based): chr5:36,975,778, T>C. VCF-style: chr5-36975778-T-C. GRCh37 (hg19) VCF-style: chr5-36975880-T-C.
Other names: c.871T>C, p.Ser291Pro (NM_001438586.1, NM_015384.5); short protein forms S291P.
Identifiers: ClinVar variation 4985506 (VCV004985506.1).